The following is an entry in ClinVar:

NM_005245.4(FAT1):c.9320G>T (p.Cys3107Phe)

Gene: FAT1 (FAT atypical cadherin 1; minus strand). Cytogenetic location: 4q35.2.
Variant type: single nucleotide variant.
Coding change: c.9320G>T on transcript NM_005245.4 (MANE Select); coding-DNA position 9320, G replaced by T.
Protein change: p.Cys3107Phe; replaces cysteine 3107 with phenylalanine.
Molecular consequence: missense variant.
Genome position (GRCh38, 1-based): chr4:186,613,252, C>A on the plus strand (G>T on the coding strand, the complement: FAT1 is on the minus strand). VCF-style: chr4-186613252-C-A. GRCh37 (hg19) VCF-style: chr4-187534406-C-A.
Other names: c.9320G>T (NM_005245.3); short protein forms C3107F.
Identifiers: ClinVar variation 2177451 (VCV002177451.5), dbSNP rs1409118179, ClinGen allele CA358957135.

ClinVar aggregate classification (germline): Uncertain significance. Review status: criteria provided, multiple submitters, no conflicts (2 of 4 stars). 2 submissions from 2 submitters: Uncertain significance (2). Last evaluated 2025-08-12.

Conditions:
FAT1-related disorder. Also called: FAT1-related condition.

Allele frequency attached by ClinVar (database versions not stated): gnomAD exomes 0.00002; TOPMed 0.00002.
gnomAD v4.1: 28 of 1,613,852 alleles (0.0017%); highest among the groups gnomAD compares: Admixed American, 0.0033%; no homozygotes.

Submissions (2):

PreventionGenetics, part of Exact Sciences
Classification: Uncertain significance for FAT1-related condition. Last evaluated: 2025-08-12. Review status: criteria provided, single submitter. Criteria: ACMG Guidelines, 2015. Collection method: clinical testing. Allele origin: germline.
Comment: The FAT1 c.9320G>T variant is predicted to result in the amino acid substitution p.Cys3107Phe. This variant is reported in 0.0065% of alleles in individuals of African descent in gnomAD. At this time, the clinical significance of this variant is uncertain due to the absence of conclusive functional and genetic evidence.

Labcorp Genetics (formerly Invitae), Labcorp
Classification: Uncertain significance. Last evaluated: 2022-10-13. Review status: criteria provided, single submitter. Criteria: Invitae Variant Classification Sherloc (09022015). Collection method: clinical testing. Allele origin: germline.
Comment: In summary, the available evidence is currently insufficient to determine the role of this variant in disease. Therefore, it has been classified as a Variant of Uncertain Significance. Advanced modeling of protein sequence and biophysical properties (such as structural, functional, and spatial information, amino acid conservation, physicochemical variation, residue mobility, and thermodynamic stability) performed at Invitae indicates that this missense variant is not expected to disrupt FAT1 protein function. This variant has not been reported in the literature in individuals affected with FAT1-related conditions. This variant is present in population databases (no rsID available, gnomAD 0.007%). This sequence change replaces cysteine, which is neutral and slightly polar, with phenylalanine, which is neutral and non-polar, at codon 3107 of the FAT1 protein (p.Cys3107Phe).